The following is an entry in ClinVar:

NM_032444.4(SLX4):c.5192C>T (p.Ala1731Val)

Gene: SLX4 (SLX4 structure-specific endonuclease subunit; minus strand). Cytogenetic location: 16p13.3.
Variant type: single nucleotide variant.
Coding change: c.5192C>T on transcript NM_032444.4 (MANE Select); coding-DNA position 5192, C replaced by T.
Protein change: p.Ala1731Val; replaces alanine 1731 with valine.
Molecular consequence: missense variant.
Genome position (GRCh38, 1-based): chr16:3,582,655, G>A on the plus strand (C>T on the coding strand, the complement: SLX4 is on the minus strand). VCF-style: chr16-3582655-G-A. GRCh37 (hg19) VCF-style: chr16-3632656-G-A.
Other names: short protein forms A1731V.
Identifiers: ClinVar variation 2165183 (VCV002165183.5), dbSNP rs778690592, ClinGen allele CA7865379.
Genomic context (GRCh38, chr16:3,582,655, plus strand): 5'-TCCGCCGCCTGCACGGCTGCCTGCGAGGCACTGACCTCCCCCTCGCCCTCCTCTTCACCT[G>A]CAGACTCAAATGCCGCTCCAAACTCACAGGAGGAAGAACTGAAAAGAGCCAGACCAGGAC-3'
Protein context (NP_115820.2, residues 1721-1741): SCEFGAAFES[Ala1731Val]GEEEGEGEVS

ClinVar aggregate classification (germline): Uncertain significance. Review status: criteria provided, multiple submitters, no conflicts (2 of 4 stars). 2 submissions from 2 submitters: Uncertain significance (2). Last evaluated 2024-03-18.

Conditions:
Fanconi anemia (FA). Also called: Fanconi's anemia. Identifiers: Orphanet 84, MedGen C0015625, MeSH D005199, MONDO:0019391.
Fanconi anemia complementation group P. Also called: SLX4-Related Fanconi Anemia. Identifiers: Orphanet 84, MedGen C3469542, MONDO:0013499, OMIM 613951.

Allele frequency attached by ClinVar (database versions not stated): ExAC 0.00001; gnomAD exomes 0.00001.
gnomAD v4.1: 8 of 1,613,148 alleles (0.0005%); highest among the groups gnomAD compares: South Asian, 0.0088%; no homozygotes.

Submissions (2):

Fulgent Genetics
Classification: Uncertain significance for Fanconi anemia complementation group P. Last evaluated: 2024-03-18. Review status: criteria provided, single submitter. Criteria: ACMG Guidelines, 2015. Collection method: clinical testing. Allele origin: germline.

Labcorp Genetics (formerly Invitae), Labcorp
Classification: Uncertain significance for Fanconi anemia. Last evaluated: 2022-06-29. Review status: criteria provided, single submitter. Criteria: Invitae Variant Classification Sherloc (09022015). Collection method: clinical testing. Allele origin: germline.
Comment: This variant has not been reported in the literature in individuals affected with SLX4-related conditions. Algorithms developed to predict the effect of missense changes on protein structure and function output the following: SIFT: "Tolerated"; PolyPhen-2: "Benign"; Align-GVGD: "Class C0". The valine amino acid residue is found in multiple mammalian species, which suggests that this missense change does not adversely affect protein function. In summary, the available evidence is currently insufficient to determine the role of this variant in disease. Therefore, it has been classified as a Variant of Uncertain Significance. Algorithms developed to predict the effect of sequence changes on RNA splicing suggest that this variant may disrupt the consensus splice site. This sequence change replaces alanine, which is neutral and non-polar, with valine, which is neutral and non-polar, at codon 1731 of the SLX4 protein (p.Ala1731Val). This variant is present in population databases (rs778690592, gnomAD 0.006%).